The following is an entry in ClinVar:

NM_033022.4(RPS24):c.280-11_280-10del

Gene: RPS24 (ribosomal protein S24; plus strand). Cytogenetic location: 10q22.3.
Variant type: Deletion.
Coding change: c.280-11_280-10del on transcript NM_033022.4 (MANE Select); 11 bases into the intron before coding-DNA position 280 through 10 bases into the intron before coding-DNA position 280, 2 bases deleted (TT; older notation c.280-11_280-10delTT).
Molecular consequence: intron variant.
Genome position (GRCh38, 1-based): chr10:78,037,183-78,037,184, TT deleted; deleting any 2 consecutive bases within chr10:78,037,181-78,037,184 gives the same sequence; the c. name uses the placement nearest the transcript's 3' end. VCF-style (leftmost placement, unchanged base first): chr10-78037180-CTT-C. GRCh37 (hg19) VCF-style: chr10-79796938-CTT-C.
Other names: c.280-11_280-10delTT (NM_001142285.1); c.280-11_280-10del (NM_001142285.2, NM_001142283.2, NM_001142282.2 and 2 more transcripts).
Identifiers: ClinVar variation 301095 (VCV000301095.14), dbSNP rs756756010, ClinGen allele CA5571978.

ClinVar aggregate classification (germline): Likely benign. Review status: criteria provided, multiple submitters, no conflicts (2 of 4 stars). 2 submissions from 2 submitters: Likely benign (2). Last evaluated 2026-06-01.

Conditions:
RPS24-related disorder. Also called: RPS24-related condition.
Diamond-Blackfan anemia. Also called: Blackfan Diamond syndrome; Aregenerative anemia chronic congenital; Red cell aplasia, pure hereditary; Congenital hypoplastic anemia; Aase syndrome. Identifiers: Orphanet 124, MedGen C1260899, MeSH D029503, MONDO:0015253, HP:0004810.

Submissions (2):

PreventionGenetics, part of Exact Sciences
Classification: Likely benign for RPS24-related condition. Last evaluated: 2026-06-01. Review status: criteria provided, single submitter. Criteria: ACMG Guidelines, 2015. Collection method: clinical testing. Allele origin: germline.
Comment: This variant is classified as likely benign based on ACMG/AMP sequence variant interpretation guidelines (Richards et al. 2015 PMID: 25741868, with internal and published modifications).

Labcorp Genetics (formerly Invitae), Labcorp
Classification: Likely benign for Diamond-Blackfan anemia. Last evaluated: 2025-10-27. Review status: criteria provided, single submitter. Criteria: Invitae Variant Classification Sherloc (09022015). Collection method: clinical testing. Allele origin: germline.